The following is an entry in ClinVar:

NC_000016.9:g.(8900265_8904935)_(8943195_?)del

Gene: PMM2 (phosphomannomutase 2; plus strand). Cytogenetic location: 16p13.2.
Variant type: Deletion.
Identifiers: ClinVar variation 1683239 (VCV001683239.1).

ClinVar aggregate classification (germline): Likely pathogenic (1 of 4 stars; one submission).

Conditions:
PMM2-congenital disorder of glycosylation. Also called: Congenital disorder of glycosylation, type Ia; CDG Ia; JAEKEN SYNDROME; PMM2-CDG; PHOSPHOMANNOMUTASE 2 DEFICIENCY; CARBOHYDRATE-DEFICIENT GLYCOPROTEIN SYNDROME, TYPE Ia. Identifiers: Orphanet 79318, MedGen C0349653, MONDO:0008907, OMIM 212065.

Submission:

Women's Health and Genetics/Laboratory Corporation of America, LabCorp
Classification: Likely pathogenic for PMM2-congenital disorder of glycosylation. Last evaluated: 2022-04-12. Review status: criteria provided, single submitter. Criteria: LabCorp Variant Classification Summary - May 2015. Collection method: clinical testing. Allele origin: germline.
Comment: Variant summary: The variant identified by MLPA or other technology involves the deletion of exons 5-8 in the PMM2 gene. A presumed nomenclature of c.(347+1_348-1)_(*1513_?)del has been designated for the purposes of this classification. The variant was absent in 21694 control chromosomes (gnomAD, Structural Variants dataset). To our knowledge, no occurrence of c.(347+1_348-1)_(*1513_?)del in individuals affected with Congenital Disorder Of Glycosylation Type 1a and no experimental evidence demonstrating its impact on protein function have been reported. No clinical diagnostic laboratories have submitted clinical-significance assessments for this variant to ClinVar after 2014. Based on the evidence outlined above, the variant was classified as likely pathogenic.